The following is an entry in ClinVar:

NM_033159.4(HYAL1):c.546G>A (p.Trp182Ter)

Gene: HYAL1 (hyaluronidase 1; minus strand). Cytogenetic location: 3p21.31.
Variant type: single nucleotide variant.
Coding change: c.546G>A on transcript NM_033159.4 (MANE Select); coding-DNA position 546, G replaced by A.
Protein change: p.Trp182Ter; replaces tryptophan 182 with a stop codon.
Molecular consequence: nonsense. On other transcripts: 5 prime UTR variant (1), non-coding transcript variant (1), intron variant (1).
Genome position (GRCh38, 1-based): chr3:50,302,411, C>T on the plus strand (G>A on the coding strand, the complement: HYAL1 is on the minus strand). VCF-style: chr3-50302411-C-T. GRCh37 (hg19) VCF-style: chr3-50339842-C-T.
Other names: c.546G>A (NM_153281.1); c.546G>A, p.Trp182Ter (NM_007312.3, NM_153281.2, NM_153282.3); c.-1G>A (NM_153283.3); c.-26-206G>A (NM_153285.3); short protein forms W182*.
Identifiers: ClinVar variation 1447779 (VCV001447779.7), dbSNP rs1553713200, ClinGen allele CA352893684.

ClinVar aggregate classification (germline): Pathogenic/Likely pathogenic. Review status: criteria provided, multiple submitters, no conflicts (2 of 4 stars). 2 submissions from 2 submitters: Pathogenic (1); Likely pathogenic (1). Last evaluated 2024-06-12.

Conditions:
Deficiency of hyaluronoglucosaminidase (MPS9). Also called: HYALURONIDASE DEFICIENCY; Mucopolysaccharidosis type 9; MPS IX. Identifiers: Orphanet 67041, MedGen C1291490, MONDO:0011093, OMIM 601492.

Allele frequency attached by ClinVar (database versions not stated): gnomAD exomes below 0.00001 and 0.00001.
gnomAD v4.1: 6 of 1,613,854 alleles (0.00037%); highest among the groups gnomAD compares: Non-Finnish European, 0.00051%; no homozygotes.

Submissions (2):

Natera, Inc.
Classification: Likely pathogenic for Mucopolysaccharidosis type IX. Last evaluated: 2024-06-12. Review status: criteria provided, single submitter. Criteria: Natera Variant Classification Schema (03/2026). Collection method: clinical testing. Allele origin: germline.
Comment: The c.546G>A variant in HYAL1 is a nonsense variant predicted to introduce a stop codon at amino acid 182. This variant is expected to result in nonsense mediated decay, truncation, or a dysfunctional protein product. This variant is rare in the general population with a frequency below the threshold expected for the associated phenotype(s). Given the available evidence, this variant is classified as Likely Pathogenic.

Labcorp Genetics (formerly Invitae), Labcorp
Classification: Pathogenic for Deficiency of hyaluronoglucosaminidase. Last evaluated: 2023-06-15. Review status: criteria provided, single submitter. Criteria: Invitae Variant Classification Sherloc (09022015). Collection method: clinical testing. Allele origin: germline.
Comment: This variant has not been reported in the literature in individuals affected with HYAL1-related conditions. For these reasons, this variant has been classified as Pathogenic. ClinVar contains an entry for this variant (Variation ID: 1447779). This variant is present in population databases (no rsID available, gnomAD 0.0009%). This sequence change creates a premature translational stop signal (p.Trp182*) in the HYAL1 gene. It is expected to result in an absent or disrupted protein product. Loss-of-function variants in HYAL1 are known to be pathogenic (PMID: 10339581, 21559944).

Literature cited by the submitters: PubMed 10339581 (cited by Labcorp Genetics (formerly Invitae), Labcorp); PubMed 21559944 (cited by Labcorp Genetics (formerly Invitae), Labcorp).